The following is an entry in ClinVar:

ClinVar aggregate classification (germline): Uncertain significance (1 of 4 stars; one submission).

Conditions:
Cystic fibrosis (CF). Also called: MUCOVISCIDOSIS. Identifiers: Orphanet 586, MedGen C0010674, MONDO:0009061, OMIM 219700. Disease mechanism: loss of function.

Submission:

Ambry Genetics
Classification: Uncertain significance for Cystic fibrosis. Last evaluated: 2022-10-20. Review status: criteria provided, single submitter. Criteria: Ambry Variant Classification Scheme 2023. Collection method: clinical testing. Allele origin: germline.
Comment: The p.P1443L variant (also known as c.4328C>T), located in coding exon 27 of the CFTR gene, results from a C to T substitution at nucleotide position 4328. The proline at codon 1443 is replaced by leucine, an amino acid with similar properties. This amino acid position is conserved. In addition, this alteration is predicted to be tolerated by in silico analysis. Since supporting evidence is limited at this time, the clinical significance of this alteration remains unclear.

NM_000492.4(CFTR):c.4328C>T (p.Pro1443Leu)

Genes: CFTR (CF transmembrane conductance regulator; plus strand), LOC111674477 (CFTR intron 23 enhancer; plus strand). Cytogenetic location: 7q31.2.
Variant type: single nucleotide variant.
Coding change: c.4328C>T on transcript NM_000492.4 (MANE Select); coding-DNA position 4328, C replaced by T.
Protein change: p.Pro1443Leu; replaces proline 1443 with leucine.
Molecular consequence: missense variant.
Genome position (GRCh38, 1-based): chr7:117,666,993, C>T. VCF-style: chr7-117666993-C-T. GRCh37 (hg19) VCF-style: chr7-117307047-C-T.
Other names: short protein forms P1443L.
Identifiers: ClinVar variation 1739743 (VCV001739743.2), dbSNP rs2485185692, ClinGen allele CA368984905.
Genomic context (GRCh38, chr7:117,666,993, plus strand): 5'-AGTACGATTCCATCCAGAAACTGCTGAACGAGAGGAGCCTCTTCCGGCAAGCCATCAGCC[C>T]CTCCGACAGGGTGAAGCTCTTTCCCCACCGGAACTCAAGCAAGTGCAAGTCTAAGCCCCA-3'
Protein context (NP_000483.3, residues 1433-1453): ERSLFRQAIS[Pro1443Leu]SDRVKLFPHR